The following is an entry in ClinVar:

ClinVar aggregate classification (germline): Pathogenic. Review status: criteria provided, multiple submitters, no conflicts (2 of 4 stars). 9 submissions from 9 submitters: Pathogenic (8). 1 of the submissions does not count toward it. Last evaluated 2026-01-06.

Conditions:
RAD51C-related disorder. Also called: RAD51C-related condition; RAD51C-related disorders.
Fanconi anemia complementation group O. Also called: RAD51C-Related Fanconi Anemia. Identifiers: Orphanet 84, MedGen C3150653, MONDO:0013248, OMIM 613390.
Breast-ovarian cancer, familial, susceptibility to, 3. Also called: RAD51C-Related Breast/Ovarian Cancer. Identifiers: Orphanet 145, MedGen C3150659, MONDO:0013253, OMIM 613399.
Hereditary cancer-predisposing syndrome. Also called: Neoplastic Syndromes, Hereditary; Hereditary Cancer Syndrome; Tumor predisposition; Hereditary neoplastic syndrome. Identifiers: Orphanet 140162, MedGen C0027672, MeSH D009386, MONDO:0015356.
Hereditary breast ovarian cancer syndrome. Also called: BRCA1- and BRCA2-Associated Hereditary Breast and Ovarian Cancer; Hereditary breast and ovarian cancer; Hereditary breast and ovarian cancer syndrome; Hereditary breast and ovarian cancer syndrome (HBOC); Hereditary breast and/or ovarian cancer syndrome; Breast and ovarian cancer. Identifiers: Orphanet 145, MedGen C0677776, MeSH D061325, MONDO:0003582. Disease mechanism: loss of function.

Submissions (9):

Labcorp Genetics (formerly Invitae), Labcorp
Classification: Pathogenic for Fanconi anemia complementation group O. Last evaluated: 2026-01-06. Review status: criteria provided, single submitter. Criteria: Invitae Variant Classification Sherloc (09022015). Collection method: clinical testing. Allele origin: germline.
Comment: This sequence change creates a premature translational stop signal (p.Gln62Hisfs*10) in the RAD51C gene. It is expected to result in an absent or disrupted protein product. Loss-of-function variants in RAD51C are known to be pathogenic (PMID: 20400964, 21990120, 24800917, 29278735). This variant is present in population databases (rs778370098, gnomAD 0.008%). This variant has not been reported in the literature in individuals affected with RAD51C-related conditions. ClinVar contains an entry for this variant (Variation ID: 141999). For these reasons, this variant has been classified as Pathogenic.

Color Diagnostics, LLC DBA Color Health
Classification: Pathogenic for Hereditary cancer-predisposing syndrome. Last evaluated: 2025-05-27. Review status: criteria provided, single submitter. Criteria: ACMG Guidelines, 2015. Collection method: clinical testing. Allele origin: germline.
Comment: This variant deletes 2 nucleotides in exon 2 of the RAD51C gene, creating a frameshift and premature translation stop signal. This variant is expected to result in an absent or non-functional protein product. This variant has been reported in two individuals affected with breast cancer (PMID: 30130155). This variant has been identified in 2/282806 chromosomes in the general population by the Genome Aggregation Database (gnomAD). Loss of RAD51C function is a known mechanism of disease. Based on the available evidence, this variant is classified as Pathogenic.

Women's Health and Genetics/Laboratory Corporation of America, LabCorp
Classification: Pathogenic for Hereditary breast ovarian cancer syndrome. Last evaluated: 2024-10-31. Review status: criteria provided, single submitter. Criteria: LabCorp Variant Classification Summary - May 2015. Collection method: clinical testing. Allele origin: germline.
Comment: Variant summary: RAD51C c.186_187delAA (p.Gln62HisfsX10) results in a premature termination codon, predicted to cause a truncation of the encoded protein or absence of the protein due to nonsense mediated decay, which are commonly known mechanisms for disease. The variant allele was found at a frequency of 4e-06 in 251406 control chromosomes. c.186_187delAA has been reported in the literature in individuals affected with Hereditary Breast And/or Ovarian Cancer (example: Zheng_2018). These data indicate that the variant may be associated with disease. The following publication has been ascertained in the context of this evaluation (PMID: 30130155). ClinVar contains an entry for this variant (Variation ID: 141999). Based on the evidence outlined above, the variant was classified as pathogenic.

Fulgent Genetics
Classification: Pathogenic for Fanconi anemia complementation group O; Breast-ovarian cancer, familial, susceptibility to, 3. Last evaluated: 2024-05-09. Review status: criteria provided, single submitter. Criteria: ACMG Guidelines, 2015. Collection method: clinical testing. Allele origin: germline.

Myriad Genetics, Inc.
Classification: Pathogenic for Breast-ovarian cancer, familial, susceptibility to, 3. Last evaluated: 2024-01-02. Review status: criteria provided, single submitter. Criteria: Myriad Autosomal Dominant, Autosomal Recessive and X-Linked Classification Criteria (2023). Collection method: clinical testing. Allele origin: unknown.
Comment: This variant is considered pathogenic. This variant creates a frameshift predicted to result in premature protein truncation.

GeneDx
Classification: Pathogenic. Last evaluated: 2023-10-16. Review status: criteria provided, single submitter. Criteria: GeneDx Variant Classification Process June 2021. Collection method: clinical testing. Allele origin: germline.
Comment: Frameshift variant predicted to result in protein truncation or nonsense mediated decay in a gene for which loss-of-function is a known mechanism of disease; Not observed at significant frequency in large population cohorts (gnomAD); This variant is associated with the following publications: (PMID: 28152038, 32427313, 32832836, 29922827, 32107557, 30130155)

Baylor Genetics
Classification: Pathogenic for Breast-ovarian cancer, familial, susceptibility to, 3. Last evaluated: 2023-09-29. Review status: criteria provided, single submitter. Criteria: ACMG Guidelines, 2015. Collection method: clinical testing. Allele origin: unknown.

Ambry Genetics
Classification: Pathogenic for Hereditary cancer-predisposing syndrome. Last evaluated: 2022-12-16. Review status: criteria provided, single submitter. Criteria: Ambry Variant Classification Scheme 2023. Collection method: clinical testing. Allele origin: germline.
Comment: The c.186_187delAA pathogenic mutation, located in coding exon 2 of the RAD51C gene, results from a deletion of two nucleotides at nucleotide positions 186 to 187, causing a translational frameshift with a predicted alternate stop codon (p.Q62Hfs*10). This alteration is expected to result in loss of function by premature protein truncation or nonsense-mediated mRNA decay. As such, this alteration is interpreted as a disease-causing mutation.

PreventionGenetics, part of Exact Sciences
Classification: Pathogenic for RAD51C-related condition. Last evaluated: 2024-05-15. Review status: no assertion criteria provided. Collection method: clinical testing. Allele origin: germline. Not counted in ClinVar's aggregate classification.
Comment: The RAD51C c.186_187delAA variant is predicted to result in a frameshift and premature protein termination (p.Gln62Hisfs*10). This variant has been reported to be causative for cancer, although no further information was provided (LaDuca et al. 2017. PubMed ID: 28152038). This variant is reported in 0.0080% of alleles in individuals of African descent in gnomAD and has been interpreted as pathogenic in the ClinVar database. Frameshift variants in RAD51C are expected to be pathogenic. This variant is interpreted as pathogenic.

Literature cited by the submitters: PubMed 20400964 (cited by Labcorp Genetics (formerly Invitae), Labcorp); PubMed 21990120 (cited by Labcorp Genetics (formerly Invitae), Labcorp); PubMed 24800917 (cited by Labcorp Genetics (formerly Invitae), Labcorp); PubMed 29278735 (cited by Labcorp Genetics (formerly Invitae), Labcorp); PubMed 30130155 (cited by Color Diagnostics, LLC DBA Color Health and Women's Health and Genetics/Laboratory Corporation of America, LabCorp).

NM_058216.3(RAD51C):c.186_187del (p.Gln62fs)

Gene: RAD51C (RAD51 paralog C; plus strand). Cytogenetic location: 17q22.
Variant type: Deletion.
Coding change: c.186_187del on transcript NM_058216.3 (MANE Select); coding-DNA positions 186 to 187, 2 bases deleted (AA; older notation c.186_187delAA).
Protein change: p.Gln62fs; shifts the reading frame from glutamine 62.
Molecular consequence: frameshift variant. On other transcripts: non-coding transcript variant (2).
Genome position (GRCh38, 1-based): chr17:58,694,971-58,694,972, AA deleted; deleting any 2 consecutive bases within chr17:58,694,970-58,694,972 gives the same sequence; the c. name uses the placement nearest the transcript's 3' end. VCF-style (leftmost placement, unchanged base first): chr17-58694969-CAA-C. GRCh37 (hg19) VCF-style: chr17-56772330-CAA-C.
Other names: c.186_187del, p.Gln62fs (NM_002876.4); c.186_187delAA (NM_058216.3); c.186_187del (NM_058216.1); short protein forms Q62fs.
Identifiers: ClinVar variation 141999 (VCV000141999.18), dbSNP rs587782170, ClinGen allele CA167077.